The following is an entry in ClinVar:

NM_000601.6(HGF):c.2011-3dup

Gene: HGF (hepatocyte growth factor; minus strand). Cytogenetic location: 7q21.11.
Variant type: Duplication.
Coding change: c.2011-3dup on transcript NM_000601.6 (MANE Select); 3 bases into the intron before coding-DNA position 2011, one base duplicated (T; older notation c.2011-3dupT).
Molecular consequence: intron variant.
Genome position (GRCh38, 1-based): chr7:81,702,760, A duplicated on the plus strand (T on the coding strand, the reverse complement: HGF is on the minus strand). VCF-style (leftmost placement, unchanged base first): chr7-81702759-T-TA. GRCh37 (hg19) VCF-style: chr7-81332075-T-TA.
Other names: c.1996-3dup (NM_001010932.3); c.2011-3dupT (NM_000601.5).
Identifiers: ClinVar variation 667245 (VCV000667245.5), dbSNP rs1363809103, ClinGen allele CA575805344.

ClinVar aggregate classification (germline): Conflicting classifications of pathogenicity. Review status: criteria provided, conflicting classifications (1 of 4 stars). 2 submissions from 2 submitters: Uncertain significance (1); Likely benign (1). Last evaluated 2025-12-17.

Conditions:
HGF-related disorder. Also called: HGF-related condition.

Allele frequency attached by ClinVar (database versions not stated): gnomAD exomes 0.00001.

Submissions (2):

PreventionGenetics, part of Exact Sciences
Classification: Likely benign for HGF-related condition. Last evaluated: 2025-12-17. Review status: criteria provided, single submitter. Criteria: ACMG Guidelines, 2015. Collection method: clinical testing. Allele origin: germline.
Comment: This variant is classified as likely benign based on ACMG/AMP sequence variant interpretation guidelines (Richards et al. 2015 PMID: 25741868, with internal and published modifications).

Laboratory for Molecular Medicine, Mass General Brigham Personalized Medicine
Classification: Uncertain significance. Last evaluated: 2018-05-29. Review status: criteria provided, single submitter. Criteria: LMM Criteria. Collection method: clinical testing. Allele origin: germline. Observed: 1 variant allele.
Comment: The c.2011-3dupT variant in HGF has not been previously reported in individuals with hearing loss but has been identified in 3/33402 Latino chromosomes by the G enome Aggregation Database (gnomAD; dbSNP rs13 63809103). Although this variant has been seen in the general population, its fr equency is not high enough to rule out a pathogenic role. This variant is locate d in the 3' splice region. Computational tools do not suggest an impact to splic ing. However, this information is not predictive enough to rule out pathogenicit y. In summary, the clinical significance of the c.2011-3dupT variant is uncertai n. ACMG/AMP Criteria applied: PM2_Supporting, BP4.